The following is an entry in ClinVar:

NM_017649.5(CNNM2):c.612del (p.Ser205fs)

Gene: CNNM2 (cyclin and CBS domain divalent metal cation transport mediator 2; plus strand). Cytogenetic location: 10q24.32.
Variant type: Deletion.
Coding change: c.612del on transcript NM_017649.5 (MANE Select); coding-DNA position 612, one base deleted (C; older notation c.612delC).
Protein change: p.Ser205fs; shifts the reading frame from serine 205.
Molecular consequence: frameshift variant.
Genome position (GRCh38, 1-based): chr10:102,919,092, C deleted. VCF-style (leftmost placement, unchanged base first): chr10-102919091-GC-G. GRCh37 (hg19) VCF-style: chr10-104678848-GC-G.
Other names: c.612del, p.Ser205fs (NM_199076.3, NM_199077.3); short protein forms S205fs.
Identifiers: ClinVar variation 1306799 (VCV001306799.2), dbSNP rs2134149733, ClinGen allele CA2573053233.
Genomic context (GRCh38, chr10:102,919,091, plus strand): 5'-AGAAGAGCAAGTCCTATTACCTGTGCACGTCGCTCTCCACGCCCGCCCTGGGCGCCGGCG[GC>G]TCGGGGTCCACGGGTGGCGCCGTCGGGGGCAAGGGTGGCTCGGGGGTGGCCGGGCTCCCG-3'

ClinVar aggregate classification (germline): Uncertain significance (1 of 4 stars; one submission).

Submission:

GeneDx
Classification: Uncertain significance. Last evaluated: 2019-07-22. Review status: criteria provided, single submitter. Criteria: GeneDx Variant Classification Process June 2021. Collection method: clinical testing. Allele origin: germline. Affected: yes.
Comment: Frameshift variant predicted to result in protein truncation or nonsense mediated decay in a gene for which loss-of-function is not a known mechanism of disease; Has not been previously published as pathogenic or benign to our knowledge; Not observed in large population cohorts (Lek et al., 2016)